The following is an entry in ClinVar:

NM_017802.4(DNAAF5):c.733G>A (p.Asp245Asn)

Gene: DNAAF5 (dynein axonemal assembly factor 5; plus strand). Cytogenetic location: 7p22.3.
Variant type: single nucleotide variant.
Coding change: c.733G>A on transcript NM_017802.4 (MANE Select); coding-DNA position 733, G replaced by A.
Protein change: p.Asp245Asn; replaces aspartic acid 245 with asparagine.
Molecular consequence: missense variant. On other transcripts: non-coding transcript variant (1).
Genome position (GRCh38, 1-based): chr7:729,800, G>A. VCF-style: chr7-729800-G-A. GRCh37 (hg19) VCF-style: chr7-769437-G-A.
Other names: short protein forms D245N.
Identifiers: ClinVar variation 1758402 (VCV001758402.2), dbSNP rs760523022, ClinGen allele CA4110412.

ClinVar aggregate classification (germline): Uncertain significance (1 of 4 stars; one submission).

Conditions:
Primary ciliary dyskinesia. Also called: Ciliary dyskinesia. Identifiers: Orphanet 244, MedGen C0008780, MONDO:0016575, HP:0012265.

Allele frequency attached by ClinVar (database versions not stated): gnomAD exomes below 0.00001; ExAC 0.00002.
gnomAD v4.1: 9 of 1,614,238 alleles (0.00056%); highest among the groups gnomAD compares: Admixed American, 0.0017%; no homozygotes.

Submission:

Ambry Genetics
Classification: Uncertain significance for Primary ciliary dyskinesia. Last evaluated: 2022-10-14. Review status: criteria provided, single submitter. Criteria: Ambry Variant Classification Scheme 2023. Collection method: clinical testing. Allele origin: germline.
Comment: The p.D245N variant (also known as c.733G>A), located in coding exon 2 of the DNAAF5 gene, results from a G to A substitution at nucleotide position 733. The aspartic acid at codon 245 is replaced by asparagine, an amino acid with highly similar properties. This amino acid position is conserved. In addition, this alteration is predicted to be tolerated by in silico analysis. Since supporting evidence is limited at this time, the clinical significance of this alteration remains unclear.